The following is an entry in ClinVar:

ClinVar aggregate classification (germline): Uncertain significance. Review status: criteria provided, multiple submitters, no conflicts (2 of 4 stars). 2 submissions from 2 submitters: Uncertain significance (2). Last evaluated 2025-10-30.

Conditions:
Inborn genetic diseases. Identifiers: MedGen C0950123, MeSH D030342.

Allele frequency attached by ClinVar (database versions not stated): ExAC 0.00001; gnomAD 0.00001; TOPMed 0.00002; ESP Exome Variant Server 0.00015.
gnomAD v4.1: 9 of 1,614,088 alleles (0.00056%); highest among the groups gnomAD compares: African/African-American, 0.0027%; no homozygotes.

Submissions (2):

Ambry Genetics
Classification: Uncertain significance for Inborn genetic diseases. Last evaluated: 2025-10-30. Review status: criteria provided, single submitter. Criteria: Ambry Variant Classification Scheme 2023. Collection method: clinical testing. Allele origin: germline.

Labcorp Genetics (formerly Invitae), Labcorp
Classification: Uncertain significance. Last evaluated: 2023-05-15. Review status: criteria provided, single submitter. Criteria: Invitae Variant Classification Sherloc (09022015). Collection method: clinical testing. Allele origin: germline.
Comment: This missense change has been observed in individual(s) with clinical features of Perrault syndrome (Invitae). In summary, the available evidence is currently insufficient to determine the role of this variant in disease. Therefore, it has been classified as a Variant of Uncertain Significance. An algorithm developed to predict the effect of missense changes on protein structure and function (PolyPhen-2) suggests that this variant is likely to be disruptive. This variant is present in population databases (rs144883798, gnomAD 0.003%). This sequence change replaces cysteine, which is neutral and slightly polar, with phenylalanine, which is neutral and non-polar, at codon 811 of the LARS2 protein (p.Cys811Phe).

NM_015340.4(LARS2):c.2432G>T (p.Cys811Phe)

Gene: LARS2 (leucyl-tRNA synthetase 2, mitochondrial; plus strand). Cytogenetic location: 3p21.31.
Variant type: single nucleotide variant.
Coding change: c.2432G>T on transcript NM_015340.4 (MANE Select); coding-DNA position 2432, G replaced by T.
Protein change: p.Cys811Phe; replaces cysteine 811 with phenylalanine.
Molecular consequence: missense variant.
Genome position (GRCh38, 1-based): chr3:45,541,856, G>T. VCF-style: chr3-45541856-G-T. GRCh37 (hg19) VCF-style: chr3-45583348-G-T.
Other names: c.2432G>T, p.Cys811Phe (NM_001368263.1); c.2432G>T (NM_015340.3); short protein forms C811F.
Identifiers: ClinVar variation 2960925 (VCV002960925.4), dbSNP rs144883798, ClinGen allele CA2349900.
Genomic context (GRCh38, chr3:45,541,856, plus strand): 5'-GTGACCCCACGCTTCTGTGCCTCGGCATTGCAGGCCTGGCGCTGGTGCCGAGGAAGCTCT[G>T]TGCCCACTACACTTGGGATGCCAGTGTGCTGCTCCAGGCATGGCCTGCTGTGGACCCGGA-3'
Protein context (NP_056155.1, residues 801-821): AGLALVPRKL[Cys811Phe]AHYTWDASVL